The following is an entry in ClinVar:

ClinVar aggregate classification (germline): Pathogenic (1 of 4 stars; one submission).

Submission:

Labcorp Genetics (formerly Invitae), Labcorp
Classification: Pathogenic. Last evaluated: 2022-06-24. Review status: criteria provided, single submitter. Criteria: Invitae Variant Classification Sherloc (09022015). Collection method: clinical testing. Allele origin: germline.
Comment: This variant is not present in population databases (gnomAD no frequency). This sequence change replaces proline, which is neutral and non-polar, with leucine, which is neutral and non-polar, at codon 4232 of the USH2A protein (p.Pro4232Leu). This missense change has been observed in individual(s) with Usher syndrome (PMID: 27460420, 30459346). In at least one individual the data is consistent with being in trans (on the opposite chromosome) from a pathogenic variant. For these reasons, this variant has been classified as Pathogenic. Algorithms developed to predict the effect of missense changes on protein structure and function (SIFT, PolyPhen-2, Align-GVGD) all suggest that this variant is likely to be disruptive.

Literature cited by the submitters: PubMed 27460420; PubMed 30459346.

NM_206933.4(USH2A):c.12695C>T (p.Pro4232Leu)

Gene: USH2A (usherin; minus strand). Cytogenetic location: 1q41.
Variant type: single nucleotide variant.
Coding change: c.12695C>T on transcript NM_206933.4 (MANE Select); coding-DNA position 12695, C replaced by T.
Protein change: p.Pro4232Leu; replaces proline 4232 with leucine.
Molecular consequence: missense variant.
Genome position (GRCh38, 1-based): chr1:215,675,216, G>A on the plus strand (C>T on the coding strand, the complement: USH2A is on the minus strand). VCF-style: chr1-215675216-G-A. GRCh37 (hg19) VCF-style: chr1-215848558-G-A.
Other names: short protein forms P4232L.
Identifiers: ClinVar variation 2202942 (VCV002202942.4), dbSNP rs745371873, ClinGen allele CA344849796.